The following is an entry in ClinVar:

ClinVar aggregate classification (germline): Uncertain significance (1 of 4 stars; one submission).

Submission:

Labcorp Genetics (formerly Invitae), Labcorp
Classification: Uncertain significance. Last evaluated: 2025-10-07. Review status: criteria provided, single submitter. Criteria: Invitae Variant Classification Sherloc (09022015). Collection method: clinical testing. Allele origin: germline.
Comment: This sequence change falls in intron 21 of the POLR3A gene. It does not directly change the encoded amino acid sequence of the POLR3A protein. It affects a nucleotide within the consensus splice site. This variant is not present in population databases (gnomAD no frequency). This variant has not been reported in the literature in individuals affected with POLR3A-related conditions. Variants that disrupt the consensus splice site are a relatively common cause of aberrant splicing (PMID: 17576681, 9536098). Algorithms developed to predict the effect of sequence changes on RNA splicing suggest that this variant is not likely to affect RNA splicing. In summary, the available evidence is currently insufficient to determine the role of this variant in disease. Therefore, it has been classified as a Variant of Uncertain Significance.

Literature cited by the submitters: PubMed 17576681; PubMed 9536098.

NM_007055.4(POLR3A):c.2901+6C>G

Gene: POLR3A (RNA polymerase III subunit A; minus strand). Cytogenetic location: 10q22.3.
Variant type: single nucleotide variant.
Coding change: c.2901+6C>G on transcript NM_007055.4 (MANE Select); 6 bases into the intron after coding-DNA position 2901, C replaced by G.
Molecular consequence: intron variant.
Genome position (GRCh38, 1-based): chr10:77,991,048, G>C on the plus strand (C>G on the coding strand, the complement: POLR3A is on the minus strand). VCF-style: chr10-77991048-G-C. GRCh37 (hg19) VCF-style: chr10-79750806-G-C.
Identifiers: ClinVar variation 4728179 (VCV004728179.1).